The following is an entry in ClinVar:

NM_000179.3(MSH6):c.1211A>T (p.Asn404Ile)

Gene: MSH6 (mutS homolog 6; plus strand). Cytogenetic location: 2p16.3.
Variant type: single nucleotide variant.
Coding change: c.1211A>T on transcript NM_000179.3 (MANE Select); coding-DNA position 1211, A replaced by T.
Protein change: p.Asn404Ile; replaces asparagine 404 with isoleucine.
Molecular consequence: missense variant.
Genome position (GRCh38, 1-based): chr2:47,799,194, A>T. VCF-style: chr2-47799194-A-T. GRCh37 (hg19) VCF-style: chr2-48026333-A-T.
Other names: c.821A>T, p.Asn274Ile (NM_001281492.2); c.305A>T, p.Asn102Ile (NM_001281493.2, NM_001281494.2); c.1211A>T (NM_000179.2); short protein forms N274I, N102I, N404I.
Identifiers: ClinVar variation 1520439 (VCV001520439.9), dbSNP rs768740986, ClinGen allele CA346743507.

ClinVar aggregate classification (germline): Uncertain significance. Review status: criteria provided, multiple submitters, no conflicts (2 of 4 stars). 2 submissions from 2 submitters: Uncertain significance (2). Last evaluated 2026-07-02.

Conditions:
Hereditary cancer-predisposing syndrome. Also called: Hereditary Cancer Syndrome; Tumor predisposition; Neoplastic Syndromes, Hereditary; Hereditary neoplastic syndrome. Identifiers: Orphanet 140162, MedGen C0027672, MeSH D009386, MONDO:0015356.
Hereditary nonpolyposis colorectal neoplasms. Identifiers: MedGen C0009405, MeSH D003123.

Submissions (2):

Ambry Genetics
Classification: Uncertain significance for Hereditary cancer-predisposing syndrome. Last evaluated: 2026-07-02. Review status: criteria provided, single submitter. Criteria: Ambry Variant Classification Scheme 2023. Collection method: clinical testing. Allele origin: germline.
Comment: The p.N404I variant (also known as c.1211A>T), located in coding exon 4 of the MSH6 gene, results from an A to T substitution at nucleotide position 1211. The asparagine at codon 404 is replaced by isoleucine, an amino acid with dissimilar properties. This amino acid position is conserved. In addition, the in silico prediction for this alteration is inconclusive. Based on the available evidence, the clinical significance of this variant remains unclear.

Labcorp Genetics (formerly Invitae), Labcorp
Classification: Uncertain significance for Hereditary nonpolyposis colorectal neoplasms. Last evaluated: 2021-04-29. Review status: criteria provided, single submitter. Criteria: Invitae Variant Classification Sherloc (09022015). Collection method: clinical testing. Allele origin: germline.
Comment: This variant is not present in population databases (ExAC no frequency). This sequence change replaces asparagine with isoleucine at codon 404 of the MSH6 protein (p.Asn404Ile). The asparagine residue is moderately conserved and there is a large physicochemical difference between asparagine and isoleucine. This variant has not been reported in the literature in individuals with MSH6-related conditions. Algorithms developed to predict the effect of missense changes on protein structure and function are either unavailable or do not agree on the potential impact of this missense change (SIFT: "Tolerated"; PolyPhen-2: "Probably Damaging"; Align-GVGD: "Class C0"). In summary, the available evidence is currently insufficient to determine the role of this variant in disease. Therefore, it has been classified as a Variant of Uncertain Significance.